The following is an entry in ClinVar:

ClinVar aggregate classification (germline): Uncertain significance (1 of 4 stars; one submission).

Conditions:
Inborn genetic diseases. Identifiers: MedGen C0950123, MeSH D030342.

gnomAD v4.1: 4 of 1,595,200 alleles (0.00025%); highest among the groups gnomAD compares: Non-Finnish European, 0.00034%; no homozygotes.

Submission:

Ambry Genetics
Classification: Uncertain significance for Inborn genetic diseases. Last evaluated: 2026-01-04. Review status: criteria provided, single submitter. Criteria: Ambry Variant Classification Scheme 2023. Collection method: clinical testing. Allele origin: germline.
Comment: The p.E464D variant (also known as c.1392G>C), located in coding exon 8 of the RECQL4 gene, results from a G to C substitution at nucleotide position 1392. The glutamic acid at codon 464 is replaced by aspartic acid, an amino acid with highly similar properties. This amino acid position is conserved. In addition, this alteration is predicted to be tolerated by in silico analysis. Based on the available evidence, the clinical significance of this variant remains unclear.

NM_004260.4(RECQL4):c.1392G>C (p.Glu464Asp)

Gene: RECQL4 (RecQ like helicase 4; minus strand). Cytogenetic location: 8q24.3.
Variant type: single nucleotide variant.
Coding change: c.1392G>C on transcript NM_004260.4 (MANE Select); coding-DNA position 1392, G replaced by C.
Protein change: p.Glu464Asp; replaces glutamic acid 464 with aspartic acid.
Molecular consequence: missense variant. On other transcripts: non-coding transcript variant (3), 5 prime UTR variant (1).
Genome position (GRCh38, 1-based): chr8:144,515,241, C>G on the plus strand (G>C on the coding strand, the complement: RECQL4 is on the minus strand). VCF-style: chr8-144515241-C-G. GRCh37 (hg19) VCF-style: chr8-145740625-C-G.
Other names: c.321G>C, p.Glu107Asp (NM_001413022.1, NM_001413023.1, NM_001413024.1 and 8 more transcripts); c.1263G>C, p.Glu421Asp (NM_001413025.1); c.255G>C, p.Glu85Asp (NM_001413027.1, NM_001413030.1, NM_001413031.1 and 2 more transcripts); c.1041G>C, p.Glu347Asp (NM_001413029.1); c.1392G>C, p.Glu464Asp (NM_001413033.1, NM_001413018.1, NM_001413019.1 and 2 more transcripts); c.1296G>C, p.Glu432Asp (NM_001413017.1, NM_001413020.1); c.-76G>C (NM_001413043.1); short protein forms E85D, E421D, E432D, E107D, E347D, E464D.
Identifiers: ClinVar variation 4841572 (VCV004841572.1).